The following is an entry in ClinVar:

NM_001164665.2(KIAA1549):c.5795G>A (p.Arg1932His)

Gene: KIAA1549 (KIAA1549; minus strand). Cytogenetic location: 7q34.
Variant type: single nucleotide variant.
Coding change: c.5795G>A on transcript NM_001164665.2 (MANE Select); coding-DNA position 5795, G replaced by A.
Protein change: p.Arg1932His; replaces arginine 1932 with histidine.
Molecular consequence: missense variant.
Genome position (GRCh38, 1-based): chr7:138,837,964, C>T on the plus strand (G>A on the coding strand, the complement: KIAA1549 is on the minus strand). VCF-style: chr7-138837964-C-T. GRCh37 (hg19) VCF-style: chr7-138522709-C-T.
Other names: c.5747G>A, p.Arg1916His (NM_020910.3); short protein forms R1916H, R1932H.
Identifiers: ClinVar variation 1388739 (VCV001388739.6), dbSNP rs757094385, ClinGen allele CA4505465.

ClinVar aggregate classification (germline): Uncertain significance (1 of 4 stars; one submission).

Allele frequency attached by ClinVar (database versions not stated): gnomAD exomes below 0.00001; TOPMed below 0.00001; ExAC 0.00001.
gnomAD v4.1: 3 of 1,613,746 alleles (0.00019%); highest among the groups gnomAD compares: Non-Finnish European, 0.00025%; no homozygotes.

Submission:

Labcorp Genetics (formerly Invitae), Labcorp
Classification: Uncertain significance. Last evaluated: 2022-02-23. Review status: criteria provided, single submitter. Criteria: Invitae Variant Classification Sherloc (09022015). Collection method: clinical testing. Allele origin: germline.
Comment: This variant is present in population databases (rs757094385, gnomAD 0.0009%). This sequence change replaces arginine, which is basic and polar, with histidine, which is basic and polar, at codon 1932 of the KIAA1549 protein (p.Arg1932His). In summary, the available evidence is currently insufficient to determine the role of this variant in disease. Therefore, it has been classified as a Variant of Uncertain Significance. Algorithms developed to predict the effect of missense changes on protein structure and function are either unavailable or do not agree on the potential impact of this missense change (SIFT: "Deleterious"; PolyPhen-2: "Probably Damaging"; Align-GVGD: "Class C0"). This variant has not been reported in the literature in individuals affected with KIAA1549-related conditions.